The following is an entry in ClinVar:

NM_001267550.2(TTN):c.24839C>G (p.Pro8280Arg)

Gene: TTN (titin; minus strand). Cytogenetic location: 2q31.2.
Variant type: single nucleotide variant.
Coding change: c.24839C>G on transcript NM_001267550.2 (MANE Select); coding-DNA position 24839, C replaced by G.
Protein change: p.Pro8280Arg; replaces proline 8280 with arginine.
Molecular consequence: missense variant. On other transcripts: intron variant (3).
Genome position (GRCh38, 1-based): chr2:178,718,167, G>C on the plus strand (C>G on the coding strand, the complement: TTN is on the minus strand). VCF-style: chr2-178718167-G-C. GRCh37 (hg19) VCF-style: chr2-179582894-G-C.
Other names: c.23888C>G, p.Pro7963Arg (NM_001256850.1); c.21107C>G, p.Pro7036Arg (NM_133378.4); c.13282+19915C>G (NM_003319.4); c.13858+19915C>G (NM_133437.4); c.13657+19915C>G (NM_133432.3); short protein forms P8280R, P7036R, P7963R.
Identifiers: ClinVar variation 4986643 (VCV004986643.1).

ClinVar aggregate classification (germline): Uncertain significance (1 of 4 stars; one submission).

Conditions:
TTN-related disorder. Also called: TTN-related disorders; TTN-related condition; TTN-related disease.

gnomAD v4.1: 3 of 1,606,072 alleles (0.00019%); highest among the groups gnomAD compares: Non-Finnish European, 0.00025%; no homozygotes.

Submission:

PreventionGenetics, part of Exact Sciences
Classification: Uncertain significance for TTN-related condition. Last evaluated: 2025-12-23. Review status: criteria provided, single submitter. Criteria: ACMG Guidelines, 2015. Collection method: clinical testing. Allele origin: germline.
Comment: The TTN c.24839C>G variant is predicted to result in the amino acid substitution p.Pro8280Arg. To our knowledge, this variant has not been reported in the literature or in a large population database (gnomAD), indicating this variant is rare. At this time, the clinical significance of this variant is uncertain due to the absence of conclusive functional and genetic evidence.